The following is an entry in ClinVar:

NM_002691.4(POLD1):c.2615T>C (p.Leu872Pro)

Gene: POLD1 (DNA polymerase delta 1, catalytic subunit; plus strand). Cytogenetic location: 19q13.33.
Variant type: single nucleotide variant.
Coding change: c.2615T>C on transcript NM_002691.4 (MANE Select); coding-DNA position 2615, T replaced by C.
Protein change: p.Leu872Pro; replaces leucine 872 with proline.
Molecular consequence: missense variant. On other transcripts: non-coding transcript variant (1).
Genome position (GRCh38, 1-based): chr19:50,415,488, T>C. VCF-style: chr19-50415488-T-C. GRCh37 (hg19) VCF-style: chr19-50918745-T-C.
Other names: c.2615T>C (NM_002691.2); c.2615T>C, p.Leu872Pro (NM_001256849.1); c.2693T>C, p.Leu898Pro (NM_001308632.1); short protein forms L872P, L898P.
Identifiers: ClinVar variation 2067583 (VCV002067583.4), dbSNP rs2514053682, ClinGen allele CA406985433.
Genomic context (GRCh38, chr19:50,415,488, plus strand): 5'-TCTCCTACAGAGACCCTGAGGGCGCGGTGGCTCACGCACAGGACGTCATCTCGGACCTGC[T>C]GTGCAACCGCATCGATATCTCCCAGCTGGTCATCACCAAGGAGCTGACCCGCGCGGCCTC-3'
Protein context (NP_002682.2, residues 862-882): AHAQDVISDL[Leu872Pro]CNRIDISQLV

ClinVar aggregate classification (germline): Uncertain significance. Review status: criteria provided, multiple submitters, no conflicts (2 of 4 stars). 2 submissions from 2 submitters: Uncertain significance (2). Last evaluated 2024-06-21.

Conditions:
POLD1-related polyposis and colorectal cancer syndrome (CRCS10). Also called: Colorectal cancer 10; COLORECTAL CANCER, SUSCEPTIBILITY TO, ON CHROMOSOME 19q; Colorectal cancer, susceptibility to, 10. Identifiers: Orphanet 220460, MedGen C2675481, MONDO:0012953, OMIM 612591.
Hereditary cancer-predisposing syndrome. Also called: Tumor predisposition; Neoplastic Syndromes, Hereditary; Hereditary Cancer Syndrome; Hereditary neoplastic syndrome. Identifiers: Orphanet 140162, MedGen C0027672, MeSH D009386, MONDO:0015356.

Allele frequency attached by ClinVar (database versions not stated): gnomAD exomes below 0.00001.
gnomAD v4.1: 1 of 1,613,348 alleles (0.000062%); highest among the groups gnomAD compares: Non-Finnish European, 0.000085%; no homozygotes.

Submissions (2):

Labcorp Genetics (formerly Invitae), Labcorp
Classification: Uncertain significance for POLD1-related polyposis and colorectal cancer syndrome. Last evaluated: 2024-06-21. Review status: criteria provided, single submitter. Criteria: Invitae Variant Classification Sherloc (09022015). Collection method: clinical testing. Allele origin: germline.
Comment: This sequence change replaces leucine, which is neutral and non-polar, with proline, which is neutral and non-polar, at codon 872 of the POLD1 protein (p.Leu872Pro). This variant is not present in population databases (gnomAD no frequency). This variant has not been reported in the literature in individuals affected with POLD1-related conditions. ClinVar contains an entry for this variant (Variation ID: 2067583). Advanced modeling of protein sequence and biophysical properties (such as structural, functional, and spatial information, amino acid conservation, physicochemical variation, residue mobility, and thermodynamic stability) performed at Invitae indicates that this missense variant is expected to disrupt POLD1 protein function with a positive predictive value of 80%. In summary, the available evidence is currently insufficient to determine the role of this variant in disease. Therefore, it has been classified as a Variant of Uncertain Significance.

Ambry Genetics
Classification: Uncertain significance for Hereditary cancer-predisposing syndrome. Last evaluated: 2023-10-01. Review status: criteria provided, single submitter. Criteria: Ambry Variant Classification Scheme 2023. Collection method: clinical testing. Allele origin: germline.
Comment: The p.L872P variant (also known as c.2615T>C), located in coding exon 20 of the POLD1 gene, results from a T to C substitution at nucleotide position 2615. The leucine at codon 872 is replaced by proline, an amino acid with similar properties. This amino acid position is conserved. In addition, the in silico prediction for this alteration is inconclusive. Since supporting evidence is limited at this time, the clinical significance of this alteration remains unclear.